The following is an entry in ClinVar:

NM_004204.5(PIGQ):c.215A>T (p.Glu72Val)

Gene: PIGQ (phosphatidylinositol glycan anchor biosynthesis class Q; plus strand). Cytogenetic location: 16p13.3.
Variant type: single nucleotide variant.
Coding change: c.215A>T on transcript NM_004204.5 (MANE Select); coding-DNA position 215, A replaced by T.
Protein change: p.Glu72Val; replaces glutamic acid 72 with valine.
Molecular consequence: missense variant.
Genome position (GRCh38, 1-based): chr16:574,289, A>T. VCF-style: chr16-574289-A-T. GRCh37 (hg19) VCF-style: chr16-624289-A-T.
Other names: c.215A>T, p.Glu72Val (NM_148920.4); short protein forms E72V.
Identifiers: ClinVar variation 1433114 (VCV001433114.5), dbSNP rs771592713, ClinGen allele CA7779808.

ClinVar aggregate classification (germline): Uncertain significance (1 of 4 stars; one submission).

Conditions:
Epilepsy. Also called: Seizure disorder. Identifiers: MedGen C0014544, MeSH D004827, MONDO:0005027.

Allele frequency attached by ClinVar (database versions not stated): gnomAD exomes below 0.00001; ExAC 0.00001; gnomAD 0.00003 and 0.00004.
gnomAD v4.1: 8 of 1,606,220 alleles (0.0005%); highest among the groups gnomAD compares: Middle Eastern, 0.016%; no homozygotes.

Submission:

Labcorp Genetics (formerly Invitae), Labcorp
Classification: Uncertain significance for Epilepsy. Last evaluated: 2022-12-03. Review status: criteria provided, single submitter. Criteria: Invitae Variant Classification Sherloc (09022015). Collection method: clinical testing. Allele origin: germline.
Comment: In summary, the available evidence is currently insufficient to determine the role of this variant in disease. Therefore, it has been classified as a Variant of Uncertain Significance. Algorithms developed to predict the effect of missense changes on protein structure and function are either unavailable or do not agree on the potential impact of this missense change (SIFT: "Deleterious"; PolyPhen-2: "Possibly Damaging"; Align-GVGD: "Class C0"). ClinVar contains an entry for this variant (Variation ID: 1433114). This variant has not been reported in the literature in individuals affected with PIGQ-related conditions. The frequency data for this variant in the population databases is considered unreliable, as metrics indicate poor data quality at this position in the gnomAD database. This sequence change replaces glutamic acid, which is acidic and polar, with valine, which is neutral and non-polar, at codon 72 of the PIGQ protein (p.Glu72Val).